The following is an entry in ClinVar:

NM_001042492.3(NF1):c.7981T>G (p.Leu2661Val)

Gene: NF1 (neurofibromin 1; plus strand). Cytogenetic location: 17q11.2.
Variant type: single nucleotide variant.
Coding change: c.7981T>G on transcript NM_001042492.3 (MANE Select); coding-DNA position 7981, T replaced by G.
Protein change: p.Leu2661Val; replaces leucine 2661 with valine.
Molecular consequence: missense variant.
Genome position (GRCh38, 1-based): chr17:31,358,490, T>G. VCF-style: chr17-31358490-T-G. GRCh37 (hg19) VCF-style: chr17-29685508-T-G.
Other names: c.7918T>G, p.Leu2640Val (NM_000267.4); short protein forms L2640V, L2661V.
Identifiers: ClinVar variation 2742231 (VCV002742231.3), dbSNP rs777848844, ClinGen allele CA399203604.

ClinVar aggregate classification (germline): Uncertain significance (1 of 4 stars; one submission).

Conditions:
Neurofibromatosis, type 1 (NF1). Also called: Peripheral type neurofibromatosis; NEUROFIBROMATOSIS, TYPE I, SOMATIC; VON RECKLINGHAUSEN DISEASE; Neurofibromatosis, type I. Identifiers: Orphanet 636, MedGen C0027831, MONDO:0018975, OMIM 162200. Disease mechanism: loss of function.

Submission:

Labcorp Genetics (formerly Invitae), Labcorp
Classification: Uncertain significance for Neurofibromatosis, type 1. Last evaluated: 2025-09-08. Review status: criteria provided, single submitter. Criteria: Invitae Variant Classification Sherloc (09022015). Collection method: clinical testing. Allele origin: germline.
Comment: This sequence change replaces leucine, which is neutral and non-polar, with valine, which is neutral and non-polar, at codon 2640 of the NF1 protein (p.Leu2640Val). This variant is not present in population databases (gnomAD no frequency). This variant has not been reported in the literature in individuals affected with NF1-related conditions. ClinVar contains an entry for this variant (Variation ID: 2742231). Invitae Evidence Modeling of protein sequence and biophysical properties (such as structural, functional, and spatial information, amino acid conservation, physicochemical variation, residue mobility, and thermodynamic stability) indicates that this missense variant is expected to disrupt NF1 protein function with a positive predictive value of 95%. In summary, the available evidence is currently insufficient to determine the role of this variant in disease. Therefore, it has been classified as a Variant of Uncertain Significance.